The following is an entry in ClinVar:

ClinVar aggregate classification (germline): Uncertain significance (1 of 4 stars; one submission).

Submission:

Ambry Genetics
Classification: Uncertain significance. Last evaluated: 2024-03-16. Review status: criteria provided, single submitter. Criteria: Ambry Variant Classification Scheme 2023. Collection method: clinical testing. Allele origin: germline.
Comment: The p.I1235V variant (also known as c.3703A>G), located in coding exon 16 of the POLQ gene, results from an A to G substitution at nucleotide position 3703. The isoleucine at codon 1235 is replaced by valine, an amino acid with highly similar properties. This amino acid position is conserved. In addition, this alteration is predicted to be tolerated by in silico analysis. Based on the available evidence, the clinical significance of this alteration remains unclear.

NM_199420.4(POLQ):c.3703A>G (p.Ile1235Val)

Gene: POLQ (DNA polymerase theta; minus strand). Cytogenetic location: 3q13.33.
Variant type: single nucleotide variant.
Coding change: c.3703A>G on transcript NM_199420.4 (MANE Select); coding-DNA position 3703, A replaced by G.
Protein change: p.Ile1235Val; replaces isoleucine 1235 with valine.
Molecular consequence: missense variant.
Genome position (GRCh38, 1-based): chr3:121,489,228, T>C on the plus strand (A>G on the coding strand, the complement: POLQ is on the minus strand). VCF-style: chr3-121489228-T-C. GRCh37 (hg19) VCF-style: chr3-121208075-T-C.
Other names: short protein forms I1235V.
Identifiers: ClinVar variation 3308504 (VCV003308504.1).